The following is an entry in ClinVar:

NM_000046.5(ARSB):c.437G>T (p.Trp146Leu)

Gene: ARSB (arylsulfatase B; minus strand). Cytogenetic location: 5q14.1.
Variant type: single nucleotide variant.
Coding change: c.437G>T on transcript NM_000046.5 (MANE Select); coding-DNA position 437, G replaced by T.
Protein change: p.Trp146Leu; replaces tryptophan 146 with leucine.
Molecular consequence: missense variant.
Genome position (GRCh38, 1-based): chr5:78,969,068, C>A on the plus strand (G>T on the coding strand, the complement: ARSB is on the minus strand). VCF-style: chr5-78969068-C-A. GRCh37 (hg19) VCF-style: chr5-78264891-C-A.
Other names: c.437G>T, p.Trp146Leu (NM_198709.3); short protein forms W146L.
Identifiers: ClinVar variation 559786 (VCV000559786.1), dbSNP rs1554088034, ClinGen allele CA360194041.
Genomic context (GRCh38, chr5:78,969,068, plus strand): 5'-AAGTAGGTATCAAATCCTCGGCGGGTTGGAAGGCATTCTTTCCGGTACATTCCCAGGTGC[C>A]ATTTTCCGACCATATGGGTAGTATAACCTGCTTCTTTTAGGAGCTGGGGCAGGAGTTTTT-3'
Protein context (NP_000037.2, residues 136-156): AGYTTHMVGK[Trp146Leu]HLGMYRKECL

ClinVar aggregate classification (germline): Uncertain significance (1 of 4 stars; one submission).

Conditions:
Mucopolysaccharidosis type 6 (MPS6). Also called: N-ACETYLGALACTOSAMINE-4-SULFATASE DEFICIENCY; MPS VI; MPS 6; Maroteaux Lamy syndrome; ARSB DEFICIENCY; ARYLSULFATASE B DEFICIENCY. Identifiers: Orphanet 583, MedGen C0026709, MONDO:0009661, OMIM 253200.

Submission:

Laboratory of Diagnosis and Therapy of Lysosomal Disorders, University of Padova
Classification: Uncertain significance for Mucopolysaccharidosis type 6. Last evaluated: 2018-01-01. Review status: criteria provided, single submitter. Criteria: ACMG Guidelines, 2015. Collection method: curation. Allele origin: germline. Affected: yes.
Comment: Absent from GnomAD (PM2)

Literature cited by the submitters: PubMed 8541342; PubMed 30118150.